The following is an entry in ClinVar:

NM_001267550.2(TTN):c.101173A>G (p.Ile33725Val)

Genes: TTN (titin; minus strand), TTN-AS1 (TTN antisense RNA 1; plus strand). Cytogenetic location: 2q31.2.
Variant type: single nucleotide variant.
Coding change: c.101173A>G on transcript NM_001267550.2 (MANE Select); coding-DNA position 101173, A replaced by G.
Protein change: p.Ile33725Val; replaces isoleucine 33725 with valine.
Molecular consequence: missense variant.
Genome position (GRCh38, 1-based): chr2:178,535,442, T>C on the plus strand (A>G on the coding strand, the complement: TTN is on the minus strand). VCF-style: chr2-178535442-T-C. GRCh37 (hg19) VCF-style: chr2-179400169-T-C.
Other names: c.96250A>G, p.Ile32084Val (NM_001256850.1); c.73978A>G, p.Ile24660Val (NM_003319.4); c.93469A>G, p.Ile31157Val (NM_133378.4); c.74353A>G, p.Ile24785Val (NM_133432.3); c.74554A>G, p.Ile24852Val (NM_133437.4); c.101173A>G (LRG_391t1); short protein forms I33725V, I24852V, I32084V, I24785V, I31157V, I24660V.
Identifiers: ClinVar variation 586859 (VCV000586859.3), dbSNP rs878900245, ClinGen allele CA60960086.

ClinVar aggregate classification (germline): Uncertain significance. Review status: criteria provided, multiple submitters, no conflicts (2 of 4 stars). 2 submissions from 2 submitters: Uncertain significance (2). Last evaluated 2026-05-12.

Conditions:
TTN-related disorder. Also called: TTN-related condition; TTN-related disease; TTN-related disorders.

Allele frequency attached by ClinVar (database versions not stated): gnomAD 0.00001; gnomAD exomes 0.00001; TOPMed 0.00003.
gnomAD v4.1: 31 of 1,613,846 alleles (0.0019%); highest among the groups gnomAD compares: Non-Finnish European, 0.0024%; no homozygotes.

Submissions (2):

PreventionGenetics, part of Exact Sciences
Classification: Uncertain significance for TTN-related condition. Last evaluated: 2026-05-12. Review status: criteria provided, single submitter. Criteria: ACMG Guidelines, 2015. Collection method: clinical testing. Allele origin: germline.
Comment: The TTN c.101173A>G variant is predicted to result in the amino acid substitution p.Ile33725Val. To our knowledge, this variant has not been reported in the literature. This variant is reported in 0.0029% of alleles in individuals of Latino descent in gnomAD. At this time, the clinical significance of this variant is uncertain due to the absence of conclusive functional and genetic evidence.

Athena Diagnostics
Classification: Uncertain significance. Last evaluated: 2018-03-29. Review status: criteria provided, single submitter. Criteria: Athena Diagnostics Criteria. Collection method: clinical testing. Allele origin: germline.